The following is an entry in ClinVar:

NM_001378452.1(ITPR1):c.22T>C (p.Phe8Leu)

Gene: ITPR1 (inositol 1,4,5-trisphosphate receptor type 1; plus strand). Cytogenetic location: 3p26.1.
Variant type: single nucleotide variant.
Coding change: c.22T>C on transcript NM_001378452.1 (MANE Select); coding-DNA position 22, T replaced by C.
Protein change: p.Phe8Leu; replaces phenylalanine 8 with leucine.
Molecular consequence: missense variant.
Genome position (GRCh38, 1-based): chr3:4,516,513, T>C. VCF-style: chr3-4516513-T-C. GRCh37 (hg19) VCF-style: chr3-4558197-T-C.
Other names: c.22T>C, p.Phe8Leu (NM_001099952.4, NM_001168272.2, NM_002222.7); short protein forms F8L.
Identifiers: ClinVar variation 3647737 (VCV003647737.2).
Genomic context (GRCh38, chr3:4,516,513, plus strand): 5'-GCTGCATATTTTACTTTGTCTAGGATTTTCAAGAAAGACATGTCTGACAAAATGTCTAGC[T>C]TCCTACATATTGGAGACATTTGTTCTCTGTACGCGGAGGGATCGACAAATGGATTTATTA-3'
Protein context (NP_001365381.1, residues 1-18): MSDKMSS[Phe8Leu]LHIGDICSLY

ClinVar aggregate classification (germline): Uncertain significance (1 of 4 stars; one submission).

gnomAD v4.1: 2 of 1,591,896 alleles (0.00013%); highest among the groups gnomAD compares: South Asian, 0.0012%; no homozygotes.

Submission:

Labcorp Genetics (formerly Invitae), Labcorp
Classification: Uncertain significance. Last evaluated: 2024-10-29. Review status: criteria provided, single submitter. Criteria: Invitae Variant Classification Sherloc (09022015). Collection method: clinical testing. Allele origin: germline.
Comment: This sequence change replaces phenylalanine, which is neutral and non-polar, with leucine, which is neutral and non-polar, at codon 8 of the ITPR1 protein (p.Phe8Leu). This variant is not present in population databases (gnomAD no frequency). This variant has not been reported in the literature in individuals affected with ITPR1-related conditions. Invitae Evidence Modeling of protein sequence and biophysical properties (such as structural, functional, and spatial information, amino acid conservation, physicochemical variation, residue mobility, and thermodynamic stability) indicates that this missense variant is not expected to disrupt ITPR1 protein function with a negative predictive value of 95%. In summary, the available evidence is currently insufficient to determine the role of this variant in disease. Therefore, it has been classified as a Variant of Uncertain Significance.